The following is an entry in ClinVar:

NM_003128.3(SPTBN1):c.349G>A (p.Asp117Asn)

Gene: SPTBN1 (spectrin beta, non-erythrocytic 1; plus strand). Cytogenetic location: 2p16.2.
Variant type: single nucleotide variant.
Coding change: c.349G>A on transcript NM_003128.3 (MANE Select); coding-DNA position 349, G replaced by A.
Protein change: p.Asp117Asn; replaces aspartic acid 117 with asparagine.
Molecular consequence: missense variant.
Genome position (GRCh38, 1-based): chr2:54,612,209, G>A. VCF-style: chr2-54612209-G-A. GRCh37 (hg19) VCF-style: chr2-54839346-G-A.
Other names: c.310G>A, p.Asp104Asn (NM_178313.3); short protein forms D104N, D117N.
Identifiers: ClinVar variation 4076216 (VCV004076216.1).

ClinVar aggregate classification (germline): Uncertain significance (1 of 4 stars; one submission).

Conditions:
Developmental delay, impaired speech, and behavioral abnormalities. Identifiers: MedGen C5561957, MONDO:0859178, OMIM 619475.

Submission:

Laboratorio de Genetica e Diagnostico Molecular, Hospital Israelita Albert Einstein
Classification: Uncertain significance for Developmental delay, impaired speech, and behavioral abnormalities. Last evaluated: 2024-08-22. Review status: criteria provided, single submitter. Criteria: ACMG Guidelines, 2015. Collection method: clinical testing. Allele origin: germline. Affected: yes.
Comment: ACMG classification criteria: PM2 supporting, PP2 supporting